The following is an entry in ClinVar:

NM_033641.4(COL4A6):c.5042G>A (p.Ser1681Asn)

Gene: COL4A6 (collagen type IV alpha 6 chain; minus strand). Cytogenetic location: Xq22.3.
Variant type: single nucleotide variant.
Coding change: c.5042G>A on transcript NM_033641.4 (MANE Select); coding-DNA position 5042, G replaced by A.
Protein change: p.Ser1681Asn; replaces serine 1681 with asparagine.
Molecular consequence: missense variant.
Genome position (GRCh38, 1-based): chrX:108,157,031, C>T on the plus strand (G>A on the coding strand, the complement: COL4A6 is on the minus strand). VCF-style: chrX-108157031-C-T. GRCh37 (hg19) VCF-style: chrX-107400261-C-T.
Other names: c.5093G>A, p.Ser1698Asn (NM_001287758.2); c.4970G>A, p.Ser1657Asn (NM_001287759.2); c.4871G>A, p.Ser1624Asn (NM_001287760.2); c.5045G>A, p.Ser1682Asn (NM_001847.4); short protein forms S1682N, S1681N, S1698N, S1624N, S1657N.
Identifiers: ClinVar variation 2811816 (VCV002811816.3), dbSNP rs1194273935, ClinGen allele CA413847935.

ClinVar aggregate classification (germline): Uncertain significance (1 of 4 stars; one submission).

Submission:

Labcorp Genetics (formerly Invitae), Labcorp
Classification: Uncertain significance. Last evaluated: 2022-11-03. Review status: criteria provided, single submitter. Criteria: Invitae Variant Classification Sherloc (09022015). Collection method: clinical testing. Allele origin: germline.
Comment: This sequence change replaces serine, which is neutral and polar, with asparagine, which is neutral and polar, at codon 1682 of the COL4A6 protein (p.Ser1682Asn). This variant is not present in population databases (gnomAD no frequency). This variant has not been reported in the literature in individuals affected with COL4A6-related conditions. In summary, the available evidence is currently insufficient to determine the role of this variant in disease. Therefore, it has been classified as a Variant of Uncertain Significance. Advanced modeling of protein sequence and biophysical properties (such as structural, functional, and spatial information, amino acid conservation, physicochemical variation, residue mobility, and thermodynamic stability) performed at Invitae indicates that this missense variant is expected to disrupt COL4A6 protein function.